The following is an entry in ClinVar:

ClinVar aggregate classification (germline): Pathogenic (0 of 4 stars; one submission).

Conditions:
HNF1A-related disorder. Also called: HNF1A-related condition.

Submission:

PreventionGenetics, part of Exact Sciences
Classification: Pathogenic for HNF1A-related condition. Last evaluated: 2023-10-28. Review status: no assertion criteria provided. Collection method: clinical testing. Allele origin: germline.
Comment: The HNF1A c.1364_1368del5 variant is predicted to result in a frameshift and premature protein termination (p.Ser455Asnfs*92). To our knowledge, this variant has not been reported in the literature or in a large population database, indicating this variant is rare. Frameshift variants in HNF1A are expected to be pathogenic. This variant is interpreted as pathogenic.

NM_000545.8(HNF1A):c.1364_1368del (p.Ser455fs)

Gene: HNF1A (HNF1 homeobox A; plus strand). Cytogenetic location: 12q24.31.
Variant type: Deletion.
Coding change: c.1364_1368del on transcript NM_000545.8 (MANE Select); coding-DNA positions 1364 to 1368, 5 bases deleted (GCCTG; older notation c.1364_1368delGCCTG).
Protein change: p.Ser455fs; shifts the reading frame from serine 455.
Molecular consequence: frameshift variant. On other transcripts: intron variant (1).
Genome position (GRCh38, 1-based): chr12:120,997,528-120,997,532, GCCTG deleted. VCF-style (leftmost placement, unchanged base first): chr12-120997527-AGCCTG-A. GRCh37 (hg19) VCF-style: chr12-121435330-AGCCTG-A.
Other names: c.1364_1368del, p.Ser455fs (NM_001306179.2); c.1309+786_1309+790del (NM_001406915.1); short protein forms S455fs.
Identifiers: ClinVar variation 3039133 (VCV003039133.2), dbSNP rs2500004981, ClinGen allele CA2740097586.